The following is an entry in ClinVar:

ClinVar aggregate classification (germline): Benign/Likely benign. Review status: criteria provided, multiple submitters, no conflicts (2 of 4 stars). 3 submissions from 3 submitters: Benign (1); Likely benign (2). Last evaluated 2026-04-19.

Conditions:
Fraser syndrome 1 (FRASRS1). Also called: CRYPTOPHTHALMOS WITH OTHER MALFORMATIONS. Identifiers: Orphanet 2052, MedGen C4551480, MONDO:0054737, OMIM 219000.
FRAS1-related disorder. Also called: FRAS1-related condition.

Allele frequency attached by ClinVar (database versions not stated): gnomAD exomes 0.00006 and 0.00023; ExAC 0.00027; 1000 Genomes Project 30x 0.00062; TOPMed 0.00071; ESP Exome Variant Server 0.00078; 1000 Genomes Project 0.00080.
gnomAD v4.1: 197 of 1,613,936 alleles (0.012%); highest among the groups gnomAD compares: African/African-American, 0.21%; no homozygotes.

Submissions (3):

PreventionGenetics, part of Exact Sciences
Classification: Likely benign for FRAS1-related condition. Last evaluated: 2026-04-19. Review status: criteria provided, single submitter. Criteria: ACMG Guidelines, 2015. Collection method: clinical testing. Allele origin: germline.
Comment: This variant is classified as likely benign based on ACMG/AMP sequence variant interpretation guidelines (Richards et al. 2015 PMID: 25741868, with internal and published modifications).

Labcorp Genetics (formerly Invitae), Labcorp
Classification: Benign. Last evaluated: 2026-01-28. Review status: criteria provided, single submitter. Criteria: Invitae Variant Classification Sherloc (09022015). Collection method: clinical testing. Allele origin: germline.

Fulgent Genetics
Classification: Likely benign for Fraser syndrome 1. Last evaluated: 2021-09-01. Review status: criteria provided, single submitter. Criteria: ACMG Guidelines, 2015. Collection method: clinical testing. Allele origin: unknown.

NM_025074.7(FRAS1):c.7053C>T (p.Ile2351=)

Gene: FRAS1 (Fraser extracellular matrix complex subunit 1; plus strand). Cytogenetic location: 4q21.21.
Variant type: single nucleotide variant.
Coding change: c.7053C>T on transcript NM_025074.7 (MANE Select); coding-DNA position 7053, C replaced by T.
Protein change: p.Ile2351=; no amino-acid change (isoleucine 2351 retained).
Molecular consequence: synonymous variant.
Genome position (GRCh38, 1-based): chr4:78,466,231, C>T. VCF-style: chr4-78466231-C-T. GRCh37 (hg19) VCF-style: chr4-79387385-C-T.
Identifiers: ClinVar variation 788524 (VCV000788524.10), dbSNP rs187011600, ClinGen allele CA2977982.